The following is an entry in ClinVar:

NM_001355436.2(SPTB):c.2142C>G (p.Ile714Met)

Gene: SPTB (spectrin beta, erythrocytic; minus strand). Cytogenetic location: 14q23.3.
Variant type: single nucleotide variant.
Coding change: c.2142C>G on transcript NM_001355436.2 (MANE Select); coding-DNA position 2142, C replaced by G.
Protein change: p.Ile714Met; replaces isoleucine 714 with methionine.
Molecular consequence: missense variant.
Genome position (GRCh38, 1-based): chr14:64,793,521, G>C on the plus strand (C>G on the coding strand, the complement: SPTB is on the minus strand). VCF-style: chr14-64793521-G-C. GRCh37 (hg19) VCF-style: chr14-65260239-G-C.
Other names: p.Ile714Met; c.2142C>G, p.Ile714Met (NM_001024858.4, NM_001355437.2); short protein forms I714M.
Identifiers: ClinVar variation 2047532 (VCV002047532.5), dbSNP rs763003753, ClinGen allele CA7230935.
Genomic context (GRCh38, chr14:64,793,521, plus strand): 5'-GAAGGCAGCCAGGTCCTTCAGCTGGTCCCACTGTGCCGACACCTCCTTTATGCGGGCCTC[G>C]ATCTGCGGGTGCCCAAACTGCTTGCGCGCAACCATGCCATGAGCCTCCTGGAAGATCTGC-3'
Protein context (NP_001342365.1, residues 704-724): VARKQFGHPQ[Ile714Met]EARIKEVSAQ

ClinVar aggregate classification (germline): Uncertain significance. Review status: criteria provided, multiple submitters, no conflicts (2 of 4 stars). 2 submissions from 2 submitters: Uncertain significance (2). Last evaluated 2025-08-28.

Allele frequency attached by ClinVar (database versions not stated): TOPMed 0.00002; ExAC 0.00007.
gnomAD v4.1: 26 of 1,613,970 alleles (0.0016%); highest among the groups gnomAD compares: Admixed American, 0.043%; no homozygotes.

Submissions (2):

Mayo Clinic Laboratories, Mayo Clinic
Classification: Uncertain significance. Last evaluated: 2025-08-28. Review status: criteria provided, single submitter. Criteria: ACMG Guidelines, 2015. Collection method: clinical testing. Allele origin: germline. Observed: 1 variant allele.

Labcorp Genetics (formerly Invitae), Labcorp
Classification: Uncertain significance. Last evaluated: 2024-10-09. Review status: criteria provided, single submitter. Criteria: Invitae Variant Classification Sherloc (09022015). Collection method: clinical testing. Allele origin: germline.
Comment: This sequence change replaces isoleucine, which is neutral and non-polar, with methionine, which is neutral and non-polar, at codon 714 of the SPTB protein (p.Ile714Met). This variant is present in population databases (rs763003753, gnomAD 0.07%). This variant has not been reported in the literature in individuals affected with SPTB-related conditions. ClinVar contains an entry for this variant (Variation ID: 2047532). An algorithm developed to predict the effect of missense changes on protein structure and function (PolyPhen-2) suggests that this variant is likely to be disruptive. In summary, the available evidence is currently insufficient to determine the role of this variant in disease. Therefore, it has been classified as a Variant of Uncertain Significance.